The following is an entry in ClinVar:

ClinVar aggregate classification (germline): Pathogenic/Likely pathogenic. Review status: criteria provided, multiple submitters, no conflicts (2 of 4 stars). 2 submissions from 2 submitters: Pathogenic (1); Likely pathogenic (1). Last evaluated 2024-03-13.

Conditions:
Acyl-CoA oxidase deficiency. Also called: Peroxisomal acyl-CoA oxidase deficiency; STRAIGHT-CHAIN ACYL-CoA OXIDASE DEFICIENCY; Pseudoneonatal adrenoleukodystrophy. Identifiers: Orphanet 2971, MedGen C1849678, MONDO:0009919, OMIM 264470. Disease mechanism: loss of function.
Mitchell syndrome. Identifiers: Orphanet 631248, MedGen C5394554, MONDO:0030073, OMIM 618960.

Allele frequency attached by ClinVar (database versions not stated): gnomAD exomes below 0.00001.
gnomAD v4.1: 3 of 1,614,114 alleles (0.00019%); highest among the groups gnomAD compares: Non-Finnish European, 0.00025%; no homozygotes.

Submissions (2):

Fulgent Genetics
Classification: Likely pathogenic for Acyl-CoA oxidase deficiency; Mitchell syndrome. Last evaluated: 2024-03-13. Review status: criteria provided, single submitter. Criteria: ACMG Guidelines, 2015. Collection method: clinical testing. Allele origin: germline.

Labcorp Genetics (formerly Invitae), Labcorp
Classification: Pathogenic for Acyl-CoA oxidase deficiency. Last evaluated: 2022-11-08. Review status: criteria provided, single submitter. Criteria: Invitae Variant Classification Sherloc (09022015). Collection method: clinical testing. Allele origin: germline.
Comment: This variant is not present in population databases (gnomAD no frequency). For these reasons, this variant has been classified as Pathogenic. This variant has not been reported in the literature in individuals affected with ACOX1-related conditions. This sequence change creates a premature translational stop signal (p.Trp87*) in the ACOX1 gene. It is expected to result in an absent or disrupted protein product. Loss-of-function variants in ACOX1 are known to be pathogenic (PMID: 8040306, 17458872).

Literature cited by the submitters: PubMed 8040306 (cited by Labcorp Genetics (formerly Invitae), Labcorp); PubMed 17458872 (cited by Labcorp Genetics (formerly Invitae), Labcorp).

NM_004035.7(ACOX1):c.260G>A (p.Trp87Ter)

Gene: ACOX1 (acyl-CoA oxidase 1; minus strand). Cytogenetic location: 17q25.1.
Variant type: single nucleotide variant.
Coding change: c.260G>A on transcript NM_004035.7 (MANE Select); coding-DNA position 260, G replaced by A.
Protein change: p.Trp87Ter; replaces tryptophan 87 with a stop codon.
Molecular consequence: nonsense.
Genome position (GRCh38, 1-based): chr17:75,978,543, C>T on the plus strand (G>A on the coding strand, the complement: ACOX1 is on the minus strand). VCF-style: chr17-75978543-C-T. GRCh37 (hg19) VCF-style: chr17-73974624-C-T.
Other names: c.146G>A, p.Trp49Ter (NM_001185039.2); c.260G>A, p.Trp87Ter (NM_007292.6); short protein forms W49*, W87*.
Identifiers: ClinVar variation 2104874 (VCV002104874.5), dbSNP rs2546097846, ClinGen allele CA401081989.